The following is an entry in ClinVar:

NM_004046.6(ATP5F1A):c.178_180del (p.Leu60del)

Gene: ATP5F1A (ATP synthase F1 subunit alpha; minus strand). Cytogenetic location: 18q21.1.
Variant type: Deletion.
Coding change: c.178_180del on transcript NM_004046.6 (MANE Select); coding-DNA positions 178 to 180, 3 bases deleted (CTT; older notation c.178_180delCTT).
Protein change: p.Leu60del; deletes leucine 60.
Molecular consequence: inframe deletion.
Genome position (GRCh38, 1-based): chr18:46,091,811-46,091,813, AAG deleted on the plus strand (CTT on the coding strand, the reverse complement: ATP5F1A is on the minus strand); deleting any 3 consecutive bases within chr18:46,091,811-46,091,815 gives the same sequence; the c. name uses the placement nearest the transcript's 3' end. VCF-style (leftmost placement, unchanged base first): chr18-46091810-CAAG-C. GRCh37 (hg19) VCF-style: chr18-43671776-CAAG-C.
Other names: c.28_30del, p.Leu10del (NM_001001935.3, NM_001257335.2); c.178_180del, p.Leu60del (NM_001001937.2, NM_001257334.2); short protein forms L10del, L60del.
Identifiers: ClinVar variation 4886333 (VCV004886333.2).

ClinVar aggregate classification (germline): Uncertain significance (1 of 4 stars; one submission).

Submission:

Dasa
Classification: Uncertain significance. Last evaluated: 2026-02-03. Review status: criteria provided, single submitter. Criteria: DASA Assertion Criteria. Collection method: clinical testing. Allele origin: germline.
Comment: NM_004046.6(ATP5F1A):c.178_180del (p.Leu60del) is an in-frame deletion predicted to remove leucine at protein position 60 without shifting the reading frame. This variant is absent from population databases. The currently available literature and clinical evidence are not sufficient to establish a definitive association between this variant and the reported condition. Therefore, this variant is classified as a variant of uncertain significance.